The following is an entry in ClinVar:

NM_002382.5(MAX):c.172-12A>G

Gene: MAX (MYC associated transcriptional regulator X; minus strand). Cytogenetic location: 14q23.3.
Variant type: single nucleotide variant.
Coding change: c.172-12A>G on transcript NM_002382.5 (MANE Select); 12 bases into the intron before coding-DNA position 172, A replaced by G.
Molecular consequence: intron variant.
Genome position (GRCh38, 1-based): chr14:65,078,048, T>C on the plus strand (A>G on the coding strand, the complement: MAX is on the minus strand). VCF-style: chr14-65078048-T-C. GRCh37 (hg19) VCF-style: chr14-65544766-T-C.
Other names: c.144+15660A>G (NM_001271069.2); c.171+15660A>G (NM_197957.4); c.145-12A>G (NM_145112.3); c.-103-12A>G (NM_001320415.2); c.172-12A>G (NM_145113.3).
Identifiers: ClinVar variation 1589549 (VCV001589549.9), dbSNP rs746620560, ClinGen allele CA7232915.

ClinVar aggregate classification (germline): Likely benign. Review status: criteria provided, multiple submitters, no conflicts (2 of 4 stars). 2 submissions from 2 submitters: Likely benign (2). Last evaluated 2026-06-05.

Conditions:
Hereditary pheochromocytoma and paraganglioma. Also called: Hereditary Paraganglioma-Pheochromocytoma Syndromes; Hereditary paragangliomas and pheochromocytomas; Hereditary pheochromocytoma-paraganglioma. Identifiers: Orphanet 29072, MedGen C4274332, MONDO:0017366.
Pheochromocytoma. Also called: MAX-Related Hereditary Paraganglioma-Pheochromocytoma Syndrome. Identifiers: Orphanet 29072, MedGen C0031511, MONDO:0008233, OMIM 171300, HP:0002666.

Allele frequency attached by ClinVar (database versions not stated): gnomAD 0.00003 and 0.00002; gnomAD exomes 0.00008 and 0.00002; TOPMed 0.00002; ExAC 0.00003.
gnomAD v4.1: 31 of 1,613,840 alleles (0.0019%); highest among the groups gnomAD compares: East Asian, 0.062%; no homozygotes.

Submissions (2):

Myriad Genetics, Inc.
Classification: Likely benign for Pheochromocytoma. Last evaluated: 2026-06-05. Review status: criteria provided, single submitter. Criteria: Myriad Autosomal Dominant, Autosomal Recessive and X-Linked Classification Criteria (2023). Collection method: clinical testing. Allele origin: unknown.
Comment: This variant is considered likely benign. This variant is intronic and is not expected to impact mRNA splicing.

Labcorp Genetics (formerly Invitae), Labcorp
Classification: Likely benign for Hereditary pheochromocytoma and paraganglioma. Last evaluated: 2026-02-03. Review status: criteria provided, single submitter. Criteria: Invitae Variant Classification Sherloc (09022015). Collection method: clinical testing. Allele origin: germline.